The following is an entry in ClinVar:

ClinVar aggregate classification (germline): Uncertain significance. Review status: criteria provided, multiple submitters, no conflicts (2 of 4 stars). 2 submissions from 2 submitters: Uncertain significance (2). Last evaluated 2024-03-23.

Conditions:
Mendelian susceptibility to mycobacterial diseases due to complete IL12RB1 deficiency. Also called: Immunodeficiency 30; IL12RB1 DEFICIENCY. Identifiers: Orphanet 319552, MedGen C4013949, MONDO:0013955, OMIM 614891.

Allele frequency attached by ClinVar (database versions not stated): TOPMed below 0.00001; gnomAD 0.00001; ESP Exome Variant Server 0.00015.
gnomAD v4.1: 103 of 1,613,396 alleles (0.0064%); highest among the groups gnomAD compares: Admixed American, 0.0083%; no homozygotes.

Submissions (2):

Blueprint Genetics
Classification: Uncertain significance. Last evaluated: 2024-03-23. Review status: criteria provided, single submitter. Criteria: ACMG Guidelines, 2015. Collection method: clinical testing. Allele origin: germline.

Labcorp Genetics (formerly Invitae), Labcorp
Classification: Uncertain significance for Mendelian susceptibility to mycobacterial diseases due to complete IL12RB1 deficiency. Last evaluated: 2024-02-17. Review status: criteria provided, single submitter. Criteria: Invitae Variant Classification Sherloc (09022015). Collection method: clinical testing. Allele origin: germline.
Comment: This sequence change replaces arginine, which is basic and polar, with tryptophan, which is neutral and slightly polar, at codon 54 of the IL12RB1 protein (p.Arg54Trp). This variant is present in population databases (rs367796048, gnomAD 0.01%). This variant has not been reported in the literature in individuals affected with IL12RB1-related conditions. ClinVar contains an entry for this variant (Variation ID: 937784). Advanced modeling of protein sequence and biophysical properties (such as structural, functional, and spatial information, amino acid conservation, physicochemical variation, residue mobility, and thermodynamic stability) performed at Invitae indicates that this missense variant is expected to disrupt IL12RB1 protein function with a positive predictive value of 80%. Algorithms developed to predict the effect of sequence changes on RNA splicing suggest that this variant may disrupt the consensus splice site. In summary, the available evidence is currently insufficient to determine the role of this variant in disease. Therefore, it has been classified as a Variant of Uncertain Significance.

NM_005535.3(IL12RB1):c.160C>T (p.Arg54Trp)

Gene: IL12RB1 (interleukin 12 receptor subunit beta 1; minus strand). Cytogenetic location: 19p13.11.
Variant type: single nucleotide variant.
Coding change: c.160C>T on transcript NM_005535.3 (MANE Select); coding-DNA position 160, C replaced by T.
Protein change: p.Arg54Trp; replaces arginine 54 with tryptophan.
Molecular consequence: missense variant.
Genome position (GRCh38, 1-based): chr19:18,082,229, G>A on the plus strand (C>T on the coding strand, the complement: IL12RB1 is on the minus strand). VCF-style: chr19-18082229-G-A. GRCh37 (hg19) VCF-style: chr19-18193039-G-A.
Other names: c.160C>T, p.Arg54Trp (NM_001290023.2, NM_153701.3); c.280C>T, p.Arg94Trp (NM_001290024.2); short protein forms R54W, R94W.
Identifiers: ClinVar variation 937784 (VCV000937784.9), dbSNP rs367796048, ClinGen allele CA9305315.